The following is an entry in ClinVar:

NM_133459.4(CCBE1):c.266-30T>C

Gene: CCBE1 (collagen and calcium binding EGF domains 1; minus strand). Cytogenetic location: 18q21.32.
Variant type: single nucleotide variant.
Coding change: c.266-30T>C on transcript NM_133459.4 (MANE Select); 30 bases into the intron before coding-DNA position 266, T replaced by C.
Molecular consequence: intron variant.
Genome position (GRCh38, 1-based): chr18:59,469,637, A>G on the plus strand (T>C on the coding strand, the complement: CCBE1 is on the minus strand). VCF-style: chr18-59469637-A-G. GRCh37 (hg19) VCF-style: chr18-57136869-A-G.
Other names: c.266-30T>C (LRG_1209t1).
Identifiers: ClinVar variation 262352 (VCV000262352.10), dbSNP rs632899, ClinGen allele CA8980560.

ClinVar aggregate classification (germline): Benign. Review status: criteria provided, multiple submitters, no conflicts (2 of 4 stars). 5 submissions from 5 submitters: Benign (5). Last evaluated 2024-01-24.

Conditions:
Hennekam lymphangiectasia-lymphedema syndrome 1 (HKLLS1). Also called: LYMPHATIC DYSPLASIA, GENERALIZED. Identifiers: Orphanet 2136, MedGen C4012050, MONDO:0009337, OMIM 235510.

Allele frequency attached by ClinVar (database versions not stated): 1000 Genomes Project 0.43231; 1000 Genomes Project 30x 0.43379; TOPMed 0.43662; gnomAD exomes 0.44600 and 0.45548; gnomAD 0.44900 and 0.45140; ExAC 0.45300; ESP Exome Variant Server 0.45502.
gnomAD v4.1: 734,186 of 1,612,994 alleles (46%); highest among the groups gnomAD compares: South Asian, 51%; 168,196 homozygotes.

Submissions (5):

Unidad de Genómica Garrahan, Hospital de Pediatría Garrahan
Classification: Benign. Last evaluated: 2024-01-24. Review status: criteria provided, single submitter. Criteria: ACMG Guidelines, 2015. Collection method: clinical testing. Allele origin: germline. Affected: no. Observed: 57 variant alleles.
Comment: This variant is classified as Benign based on local population frequency. This variant was detected in 60% of patients studied by a panel of primary immunodeficiencies. Number of patients: 57. Only high quality variants are reported.

Genome-Nilou Lab
Classification: Benign for Hennekam lymphangiectasia-lymphedema syndrome 1. Last evaluated: 2021-07-14. Review status: criteria provided, single submitter. Criteria: ACMG Guidelines, 2015. Collection method: clinical testing. Allele origin: germline. Affected: no.

GeneDx
Classification: Benign. Last evaluated: 2018-11-10. Review status: criteria provided, single submitter. Criteria: GeneDx Variant Classification Process June 2021. Collection method: clinical testing. Allele origin: germline. Affected: yes.

Breakthrough Genomics
Classification: Benign. Review status: criteria provided, single submitter. Criteria: ACMG Guidelines, 2015. Collection method: not provided. Allele origin: germline. Inheritance: Autosomal recessive inheritance. Affected: yes.

PreventionGenetics, part of Exact Sciences
Classification: Benign. Review status: criteria provided, single submitter. Criteria: ACMG Guidelines, 2015. Collection method: clinical testing. Allele origin: germline.